The following is an entry in ClinVar:

NM_152703.5(SAMD9L):c.1127C>G (p.Ser376Cys)

Gene: SAMD9L (sterile alpha motif domain containing 9 like; minus strand). Cytogenetic location: 7q21.2.
Variant type: single nucleotide variant.
Coding change: c.1127C>G on transcript NM_152703.5 (MANE Select); coding-DNA position 1127, C replaced by G.
Protein change: p.Ser376Cys; replaces serine 376 with cysteine.
Molecular consequence: missense variant.
Genome position (GRCh38, 1-based): chr7:93,134,845, G>C on the plus strand (C>G on the coding strand, the complement: SAMD9L is on the minus strand). VCF-style: chr7-93134845-G-C. GRCh37 (hg19) VCF-style: chr7-92764158-G-C.
Other names: c.1127C>G, p.Ser376Cys (NM_001303496.3, NM_001303497.3, NM_001303498.3 and 5 more transcripts); short protein forms S376C.
Identifiers: ClinVar variation 4630129 (VCV004630129.1).

ClinVar aggregate classification (germline): Uncertain significance (1 of 4 stars; one submission).

Conditions:
Inborn genetic diseases. Identifiers: MedGen C0950123, MeSH D030342.

Submission:

Ambry Genetics
Classification: Uncertain significance for Inborn genetic diseases. Last evaluated: 2025-11-18. Review status: criteria provided, single submitter. Criteria: Ambry Variant Classification Scheme 2023. Collection method: clinical testing. Allele origin: germline.
Comment: The p.S376C variant (also known as c.1127C>G), located in coding exon 1 of the SAMD9L gene, results from a C to G substitution at nucleotide position 1127. The serine at codon 376 is replaced by cysteine, an amino acid with dissimilar properties. This amino acid position is conserved. In addition, this alteration is predicted to be tolerated by in silico analysis. Based on the available evidence, the clinical significance of this variant remains unclear.